The following is an entry in ClinVar:

NM_005961.3(MUC6):c.2970C>T (p.Ile990=)

Gene: MUC6 (mucin 6, oligomeric mucus/gel-forming (gene/pseudogene); minus strand). Cytogenetic location: 11p15.5.
Variant type: single nucleotide variant.
Coding change: c.2970C>T on transcript NM_005961.3 (MANE Select); coding-DNA position 2970, C replaced by T.
Protein change: p.Ile990=; no amino-acid change (isoleucine 990 retained).
Molecular consequence: synonymous variant.
Genome position (GRCh38, 1-based): chr11:1,025,197, G>A on the plus strand (C>T on the coding strand, the complement: MUC6 is on the minus strand). VCF-style: chr11-1025197-G-A. GRCh37 (hg19) VCF-style: chr11-1025197-G-A.
Identifiers: ClinVar variation 5038816 (VCV005038816.1).
Genomic context (GRCh38, chr11:1,025,197, plus strand): 5'-CCTGCATCAGGGAGGGCCTGGGAGGAGGCAGAGGGCGTGCGGTACCTGGGAGGCACGGGC[G>A]ATCCTGATGAGGATGGTCATGTGCCTGTTCCAGATGAGCGTCAGGTTGTACCTCCCGGGG-3'
Protein context (NP_005952.2, residues 980-1000): WNRHMTILIR[Ile990=]ARASQDPLCG

ClinVar aggregate classification (germline): Likely benign (1 of 4 stars; one submission).

gnomAD v4.1: 42 of 1,611,972 alleles (0.0026%); highest among the groups gnomAD compares: Middle Eastern, 0.017%; no homozygotes.

Submission:

CeGaT Center for Human Genetics Tuebingen
Classification: Likely benign. Last evaluated: 2026-07-01. Review status: criteria provided, single submitter. Criteria: CeGaT Center For Human Genetics Tuebingen Variant Classification Criteria Version 2. Collection method: clinical testing. Allele origin: germline. Affected: yes. Observed: 1 variant allele.
Comment: MUC6: BP4, BP7